The following is an entry in ClinVar:

NM_015629.4(PRPF31):c.1124C>G (p.Ala375Gly)

Gene: PRPF31 (pre-mRNA processing factor 31; plus strand). Cytogenetic location: 19q13.42.
Variant type: single nucleotide variant.
Coding change: c.1124C>G on transcript NM_015629.4 (MANE Select); coding-DNA position 1124, C replaced by G.
Protein change: p.Ala375Gly; replaces alanine 375 with glycine.
Molecular consequence: missense variant.
Genome position (GRCh38, 1-based): chr19:54,128,355, C>G. VCF-style: chr19-54128355-C-G. GRCh37 (hg19) VCF-style: chr19-54631730-C-G.
Other names: short protein forms A375G.
Identifiers: ClinVar variation 1215544 (VCV001215544.3), dbSNP rs1353795698, ClinGen allele CA407753915.

ClinVar aggregate classification (germline): Uncertain significance (1 of 4 stars; one submission).

Submission:

GeneDx
Classification: Uncertain significance. Last evaluated: 2019-11-14. Review status: criteria provided, single submitter. Criteria: GeneDx Variant Classification Process June 2021. Collection method: clinical testing. Allele origin: germline. Affected: yes.
Comment: Not observed in large population cohorts (Lek et al., 2016); In silico analysis, which includes protein predictors and evolutionary conservation, supports a deleterious effect; Has not been previously published as pathogenic or benign to our knowledge